The following is an entry in ClinVar:

ClinVar aggregate classification (germline): Uncertain significance. Review status: criteria provided, multiple submitters, no conflicts (2 of 4 stars). 3 submissions from 3 submitters: Uncertain significance (2). 1 of the submissions does not count toward it. Last evaluated 2024-06-09.

Conditions:
Sialic acid storage disease, severe infantile type (ISSD). Also called: Free sialic acid storage disease, infantile form; N-ACETYLNEURAMINIC ACID STORAGE DISEASE; NANA STORAGE DISEASE; Infantile Sialic Acid Storage Disease; SIALURIA, INFANTILE FORM; INFANTILE SIALIC ACID STORAGE DISORDER. Identifiers: Orphanet 309324, Orphanet 834, MedGen C1096902, MONDO:0010027, OMIM 269920.
Salla disease (SD). Also called: Sialuria, Finnish type; N-acetylneuraminic acid (NANA) storage disease (NSD); Infantile sialic acid storage disorder (ISSD); Less Severe FSASD (Salla Disease). Identifiers: Orphanet 309334, Orphanet 834, MedGen C1096903, MONDO:0011449, OMIM 604369.

Allele frequency attached by ClinVar (database versions not stated): gnomAD exomes below 0.00001 and 0.00001; gnomAD 0.00001; TOPMed 0.00002.
gnomAD v4.1: 7 of 1,613,870 alleles (0.00043%); highest among the groups gnomAD compares: Admixed American, 0.0067%; no homozygotes.

Submissions (3):

Fulgent Genetics
Classification: Uncertain significance for Sialic acid storage disease, severe infantile type; Salla disease. Last evaluated: 2024-06-09. Review status: criteria provided, single submitter. Criteria: ACMG Guidelines, 2015. Collection method: clinical testing. Allele origin: germline.

Labcorp Genetics (formerly Invitae), Labcorp
Classification: Uncertain significance for Salla disease. Last evaluated: 2022-08-16. Review status: criteria provided, single submitter. Criteria: Invitae Variant Classification Sherloc (09022015). Collection method: clinical testing. Allele origin: germline.
Comment: This sequence change replaces proline, which is neutral and non-polar, with leucine, which is neutral and non-polar, at codon 441 of the SLC17A5 protein (p.Pro441Leu). This variant is present in population databases (no rsID available, gnomAD 0.006%). This variant has not been reported in the literature in individuals affected with SLC17A5-related conditions. ClinVar contains an entry for this variant (Variation ID: 851588). Algorithms developed to predict the effect of missense changes on protein structure and function are either unavailable or do not agree on the potential impact of this missense change (SIFT: "Deleterious"; PolyPhen-2: "Probably Damaging"; Align-GVGD: "Class C0"). In summary, the available evidence is currently insufficient to determine the role of this variant in disease. Therefore, it has been classified as a Variant of Uncertain Significance.

Natera, Inc.
Classification: Uncertain significance for Salla disease. Last evaluated: 2020-03-10. Review status: no assertion criteria provided. Collection method: clinical testing. Allele origin: germline. Not counted in ClinVar's aggregate classification.

NM_012434.5(SLC17A5):c.1322C>T (p.Pro441Leu)

Gene: SLC17A5 (solute carrier family 17 member 5; minus strand). Cytogenetic location: 6q13.
Variant type: single nucleotide variant.
Coding change: c.1322C>T on transcript NM_012434.5 (MANE Select); coding-DNA position 1322, C replaced by T.
Protein change: p.Pro441Leu; replaces proline 441 with leucine.
Molecular consequence: missense variant.
Genome position (GRCh38, 1-based): chr6:73,600,379, G>A on the plus strand (C>T on the coding strand, the complement: SLC17A5 is on the minus strand). VCF-style: chr6-73600379-G-A. GRCh37 (hg19) VCF-style: chr6-74310102-G-A.
Other names: short protein forms P441L.
Identifiers: ClinVar variation 851588 (VCV000851588.9), dbSNP rs1214170788, ClinGen allele CA364719978.